The following is an entry in ClinVar:

NM_002495.4(NDUFS4):c.350+1G>C

Gene: NDUFS4 (NADH:ubiquinone oxidoreductase subunit S4; plus strand). Cytogenetic location: 5q11.2.
Variant type: single nucleotide variant.
Coding change: c.350+1G>C on transcript NM_002495.4 (MANE Select); the canonical splice donor site of the intron after coding-DNA position 350, G replaced by C.
Molecular consequence: splice donor variant.
Genome position (GRCh38, 1-based): chr5:53,646,406, G>C. VCF-style: chr5-53646406-G-C. GRCh37 (hg19) VCF-style: chr5-52942236-G-C.
Other names: c.350+1G>C (NM_001318051.2).
Identifiers: ClinVar variation 2708848 (VCV002708848.3), dbSNP rs1260453815, ClinGen allele CA359719916.
Genomic context (GRCh38, chr5:53,646,406, plus strand): 5'-GAAGATGGAGTTTGATACCAGAGAGCGATGGGAAAATCCTTTGATGGGTTGGGCATCAAC[G>C]TGAGTACTTTATTTTAATGTGAATATTGTCAGCTATCTTTTTCTATGTAGATCTTTCTTC-3'

ClinVar aggregate classification (germline): Likely pathogenic (1 of 4 stars; one submission).

gnomAD v4.1: 1 of 1,613,078 alleles (0.000062%); highest among the groups gnomAD compares: Non-Finnish European, 0.000085%; no homozygotes.

Submission:

Labcorp Genetics (formerly Invitae), Labcorp
Classification: Likely pathogenic. Last evaluated: 2024-01-11. Review status: criteria provided, single submitter. Criteria: Invitae Variant Classification Sherloc (09022015). Collection method: clinical testing. Allele origin: germline.
Comment: This sequence change affects a donor splice site in intron 3 of the NDUFS4 gene. It is expected to disrupt RNA splicing. Variants that disrupt the donor or acceptor splice site typically lead to a loss of protein function (PMID: 16199547), and loss-of-function variants in NDUFS4 are known to be pathogenic (PMID: 10944442, 16213125). This variant is not present in population databases (gnomAD no frequency). Disruption of this splice site has been observed in individual(s) with Leigh syndrome (PMID: 18804471). Algorithms developed to predict the effect of sequence changes on RNA splicing suggest that this variant may disrupt the consensus splice site. In summary, the currently available evidence indicates that the variant is pathogenic, but additional data are needed to prove that conclusively. Therefore, this variant has been classified as Likely Pathogenic.

Literature cited by the submitters: PubMed 16199547; PubMed 10944442; PubMed 16213125; PubMed 18804471.